The following is an entry in ClinVar:

ClinVar aggregate classification (germline): Benign. Review status: criteria provided, multiple submitters, no conflicts (2 of 4 stars). 2 submissions from 2 submitters: Benign (2). Last evaluated 2018-06-16.

Allele frequency attached by ClinVar (database versions not stated): 1000 Genomes Project 0.85723; 1000 Genomes Project 30x 0.85899; gnomAD exomes 0.87328; gnomAD 0.89421 and 0.89893; TOPMed 0.89856.
gnomAD v4.1: 687,261 of 782,986 alleles (88%); highest among the groups gnomAD compares: African/African-American, 93%; 302,474 homozygotes.

Submissions (2):

GeneDx
Classification: Benign. Last evaluated: 2018-06-16. Review status: criteria provided, single submitter. Criteria: GeneDx Variant Classification (06012015). Collection method: clinical testing. Allele origin: germline. Affected: yes.
Comment: This variant is considered likely benign or benign based on one or more of the following criteria: it is a conservative change, it occurs at a poorly conserved position in the protein, it is predicted to be benign by multiple in silico algorithms, and/or has population frequency not consistent with disease.

Breakthrough Genomics
Classification: Benign. Review status: criteria provided, single submitter. Criteria: ACMG Guidelines, 2015. Collection method: not provided. Allele origin: germline. Inheritance: Autosomal recessive inheritance. Affected: yes.

NM_006031.6(PCNT):c.2154+116A>G

Gene: PCNT (pericentrin; plus strand). Cytogenetic location: 21q22.3.
Variant type: single nucleotide variant.
Coding change: c.2154+116A>G on transcript NM_006031.6 (MANE Select); 116 bases into the intron after coding-DNA position 2154, A replaced by G.
Molecular consequence: intron variant.
Genome position (GRCh38, 1-based): chr21:46,357,307, A>G. VCF-style: chr21-46357307-A-G. GRCh37 (hg19) VCF-style: chr21-47777222-A-G.
Other names: c.1800+116A>G (NM_001315529.2).
Identifiers: ClinVar variation 667798 (VCV000667798.2), dbSNP rs2839224, ClinGen allele CA14899514.